The following is an entry in ClinVar:

NM_001278116.2(L1CAM):c.2219G>A (p.Trp740Ter)

Gene: L1CAM (L1 cell adhesion molecule; minus strand). Cytogenetic location: Xq28.
Variant type: single nucleotide variant.
Coding change: c.2219G>A on transcript NM_001278116.2 (MANE Select); coding-DNA position 2219, G replaced by A.
Protein change: p.Trp740Ter; replaces tryptophan 740 with a stop codon.
Molecular consequence: nonsense.
Genome position (GRCh38, 1-based): chrX:153,866,861, C>T on the plus strand (G>A on the coding strand, the complement: L1CAM is on the minus strand). VCF-style: chrX-153866861-C-T. GRCh37 (hg19) VCF-style: chrX-153132316-C-T.
Other names: c.2219G>A, p.Trp740Ter (NM_000425.5, NM_024003.3); c.2204G>A, p.Trp735Ter (NM_001143963.2); short protein forms W735*, W740*.
Identifiers: ClinVar variation 3033982 (VCV003033982.2), dbSNP rs2520986296, ClinGen allele CA415120873.

ClinVar aggregate classification (germline): Pathogenic (0 of 4 stars; one submission).

Conditions:
L1CAM-related disorder. Also called: L1CAM-related condition.

Submission:

PreventionGenetics, part of Exact Sciences
Classification: Pathogenic for L1CAM-related condition. Last evaluated: 2023-12-22. Review status: no assertion criteria provided. Collection method: clinical testing. Allele origin: germline.
Comment: The L1CAM c.2219G>A variant is predicted to result in premature protein termination (p.Trp740*). To our knowledge, this variant has not been reported in the literature or in a large population database, indicating this variant is rare. Nonsense variants in L1CAM are expected to be pathogenic. This variant is interpreted as pathogenic.